The following is an entry in ClinVar:

ClinVar aggregate classification (germline): Benign. Review status: criteria provided, multiple submitters, no conflicts (2 of 4 stars). 4 submissions from 3 submitters: Benign (4). Last evaluated 2021-05-13.

Conditions:
Idiopathic hypereosinophilic syndrome (HES). Identifiers: Orphanet 3260, MedGen C0206141, MONDO:0011895, OMIM 607685. Disease mechanism: gain of function.
Gastrointestinal stromal tumor. Also called: Gastrointestinal stromal tumor, somatic; Gastrointestinal stroma tumor. Identifiers: Orphanet 44890, MedGen C0238198, MeSH D046152, MONDO:0011719, OMIM 606764, HP:0100723.

Allele frequency attached by ClinVar (database versions not stated): 1000 Genomes Project 30x 0.98548; TOPMed 0.98590; gnomAD 0.98684 and 0.98765; 1000 Genomes Project 0.98762.

Submissions (4):

GeneDx
Classification: Benign. Last evaluated: 2021-05-13. Review status: criteria provided, single submitter. Criteria: GeneDx Variant Classification Process June 2021. Collection method: clinical testing. Allele origin: germline. Affected: yes.

Illumina Laboratory Services, Illumina
Classification: Benign for Gastrointestinal stromal tumor. Last evaluated: 2018-01-13. Review status: criteria provided, single submitter. Criteria: ICSL Variant Classification Criteria 13 December 2019. Collection method: clinical testing. Allele origin: germline.
Comment: This variant was observed in the ICSL laboratory as part of a predisposition screen in an ostensibly healthy population. It had not been previously curated by ICSL or reported in the Human Gene Mutation Database (HGMD: prior to June 1st, 2018), and was therefore a candidate for classification through an automated scoring system. Utilizing variant allele frequency, disease prevalence and penetrance estimates, and inheritance mode, an automated score was calculated to assess if this variant is too frequent to cause the disease. Based on the score and internal cut-off values, a variant classified as benign is not then subjected to further curation. The score for this variant resulted in a classification of benign for this disease.

Illumina Laboratory Services, Illumina
Classification: Benign for Idiopathic hypereosinophilic syndrome. Last evaluated: 2018-01-13. Review status: criteria provided, single submitter. Criteria: ICSL Variant Classification Criteria 13 December 2019. Collection method: clinical testing. Allele origin: germline.
Comment: the same text as in the submission from Illumina Laboratory Services, Illumina above.

Breakthrough Genomics
Classification: Benign. Review status: criteria provided, single submitter. Criteria: ACMG Guidelines, 2015. Collection method: not provided. Allele origin: germline. Inheritance: Autosomal dominant inheritance. Affected: yes.

NM_006206.6(PDGFRA):c.*2387T>G

Gene: PDGFRA (platelet derived growth factor receptor alpha; plus strand). Cytogenetic location: 4q12.
Variant type: single nucleotide variant.
Coding change: c.*2387T>G on transcript NM_006206.6 (MANE Select); 2387 bases downstream of the stop codon, T replaced by G.
Molecular consequence: 3 prime UTR variant.
Genome position (GRCh38, 1-based): chr4:54,297,659, T>G. VCF-style: chr4-54297659-T-G. GRCh37 (hg19) VCF-style: chr4-55163826-T-G.
Other names: c.*2387T>G (NM_001347828.2, NM_001347829.2, NM_001347830.2).
Identifiers: ClinVar variation 348943 (VCV000348943.8), dbSNP rs10034498, ClinGen allele CA10617844.
Genomic context (GRCh38, chr4:54,297,659, plus strand): 5'-CCAGCAGTTTCCAGTCCTAACAAATGCTCCCACCTGAATTTGTATATGACTGCATTTGTG[T>G]GTGTGTGTGTGTTTTCAGCAAATTCCAGATTTGTTTCCTTTTGGCCTCCTGCAAAGTCTC-3'